The following is an entry in ClinVar:

ClinVar aggregate classification (germline): Uncertain significance (1 of 4 stars; one submission).

Conditions:
Familial acute necrotizing encephalopathy (IIAE3). Also called: ENCEPHALOPATHY, ACUTE, INFECTION-INDUCED, SUSCEPTIBILITY TO, 3; Susceptibility to Acute Necrotizing Encephalopathy 1. Identifiers: Orphanet 88619, MedGen C2675556, MONDO:0011953, OMIM 608033.

Allele frequency attached by ClinVar (database versions not stated): gnomAD 0.00001; gnomAD exomes 0.00004 and 0.00008; ExAC 0.00006; TOPMed 0.00006.
gnomAD v4.1: 23 of 1,613,828 alleles (0.0014%); highest among the groups gnomAD compares: Admixed American, 0.038%; no homozygotes.

Submission:

Labcorp Genetics (formerly Invitae), Labcorp
Classification: Uncertain significance for Familial acute necrotizing encephalopathy. Last evaluated: 2019-06-13. Review status: criteria provided, single submitter. Criteria: Invitae Variant Classification Sherloc (09022015). Collection method: clinical testing. Allele origin: germline.
Comment: In summary, the available evidence is currently insufficient to determine the role of this variant in disease. Therefore, it has been classified as a Variant of Uncertain Significance. Algorithms developed to predict the effect of missense changes on protein structure and function are either unavailable or do not agree on the potential impact of this missense change (SIFT: "Deleterious"; PolyPhen-2: "Possibly Damaging"; Align-GVGD: "Class C0"). This variant has not been reported in the literature in individuals with RANBP2-related conditions. This variant is present in population databases (rs748698402, ExAC 0.06%). This sequence change replaces glutamine with arginine at codon 1727 of the RANBP2 protein (p.Gln1727Arg). The glutamine residue is weakly conserved and there is a small physicochemical difference between glutamine and arginine.

NM_006267.5(RANBP2):c.5180A>G (p.Gln1727Arg)

Gene: RANBP2 (RAN binding protein 2; plus strand). Cytogenetic location: 2q13.
Variant type: single nucleotide variant.
Coding change: c.5180A>G on transcript NM_006267.5 (MANE Select); coding-DNA position 5180, A replaced by G.
Protein change: p.Gln1727Arg; replaces glutamine 1727 with arginine.
Molecular consequence: missense variant.
Genome position (GRCh38, 1-based): chr2:108,765,719, A>G. VCF-style: chr2-108765719-A-G. GRCh37 (hg19) VCF-style: chr2-109382175-A-G.
Other names: short protein forms Q1727R.
Identifiers: ClinVar variation 847257 (VCV000847257.10), dbSNP rs748698402, ClinGen allele CA1823233.